The following is an entry in ClinVar:

ClinVar aggregate classification (germline): Uncertain significance (1 of 4 stars; one submission).

Conditions:
Short-rib thoracic dysplasia 11 with or without polydactyly (SRTD11). Also called: SHORT-RIB THORACIC DYSPLASIA 11 WITHOUT POLYDACTYLY. Identifiers: Orphanet 474, Orphanet 93271, MedGen C3810200, MONDO:0014287, OMIM 615633.

Submission:

Labcorp Genetics (formerly Invitae), Labcorp
Classification: Uncertain significance for Short-rib thoracic dysplasia 11 with or without polydactyly. Last evaluated: 2021-06-07. Review status: criteria provided, single submitter. Criteria: Invitae Variant Classification Sherloc (09022015). Collection method: clinical testing. Allele origin: germline.
Comment: In summary, the available evidence is currently insufficient to determine the role of this variant in disease. Therefore, it has been classified as a Variant of Uncertain Significance. Algorithms developed to predict the effect of missense changes on protein structure and function output the following: SIFT: "Deleterious"; PolyPhen-2: "Benign"; Align-GVGD: "Class C0". The valine amino acid residue is found in multiple mammalian species, suggesting that this missense change does not adversely affect protein function. These predictions have not been confirmed by published functional studies and their clinical significance is uncertain. This variant has not been reported in the literature in individuals with WDR34-related conditions. The frequency data for this variant in the population databases is considered unreliable, as metrics indicate insufficient coverage at this position in the ExAC database. This sequence change replaces alanine with valine at codon 46 of the WDR34 protein (p.Ala46Val). The alanine residue is moderately conserved and there is a small physicochemical difference between alanine and valine.

NM_052844.4(DYNC2I2):c.137C>T (p.Ala46Val)

Gene: DYNC2I2 (dynein 2 intermediate chain 2; minus strand). Cytogenetic location: 9q34.11.
Variant type: single nucleotide variant.
Coding change: c.137C>T on transcript NM_052844.4 (MANE Select); coding-DNA position 137, C replaced by T.
Protein change: p.Ala46Val; replaces alanine 46 with valine.
Molecular consequence: missense variant.
Genome position (GRCh38, 1-based): chr9:128,656,590, G>A on the plus strand (C>T on the coding strand, the complement: DYNC2I2 is on the minus strand). VCF-style: chr9-128656590-G-A. GRCh37 (hg19) VCF-style: chr9-131418869-G-A.
Other names: short protein forms A46V.
Identifiers: ClinVar variation 1681264 (VCV001681264.8), dbSNP rs1234829068, ClinGen allele CA375050879.